The following is an entry in ClinVar:

ClinVar aggregate classification (germline): Uncertain significance. Review status: criteria provided, multiple submitters, no conflicts (2 of 4 stars). 2 submissions from 2 submitters: Uncertain significance (2). Last evaluated 2024-12-04.

Allele frequency attached by ClinVar (database versions not stated): gnomAD exomes 0.00001; TOPMed below 0.00001; gnomAD 0.00001.
gnomAD v4.1: 4 of 1,592,130 alleles (0.00025%); highest among the groups gnomAD compares: Admixed American, 0.0053%; no homozygotes.

Submissions (2):

GeneDx
Classification: Uncertain significance. Last evaluated: 2024-12-04. Review status: criteria provided, single submitter. Criteria: GeneDx Variant Classification Process June 2021. Collection method: clinical testing. Allele origin: germline. Affected: yes.
Comment: Not observed at significant frequency in large population cohorts (gnomAD); In silico analysis supports that this missense variant has a deleterious effect on protein structure/function; Missense variant in a gene in which most reported pathogenic variants are truncating/loss of function; Has not been previously published as pathogenic or benign to our knowledge

Eurofins Ntd Llc (ga)
Classification: Uncertain significance. Last evaluated: 2014-06-10. Review status: criteria provided, single submitter. Criteria: EGL Classification Definitions 2015. Collection method: clinical testing. Allele origin: germline. Observed: 1 variant allele, 1 heterozygote.

NM_201384.3(PLEC):c.11357T>C (p.Met3786Thr)

Gene: PLEC (plectin; minus strand). Cytogenetic location: 8q24.3.
Variant type: single nucleotide variant.
Coding change: c.11357T>C on transcript NM_201384.3 (MANE Select); coding-DNA position 11357, T replaced by C.
Protein change: p.Met3786Thr; replaces methionine 3786 with threonine.
Molecular consequence: missense variant.
Genome position (GRCh38, 1-based): chr8:143,918,464, A>G on the plus strand (T>C on the coding strand, the complement: PLEC is on the minus strand). VCF-style: chr8-143918464-A-G. GRCh37 (hg19) VCF-style: chr8-144992632-A-G.
Other names: c.11438T>C, p.Met3813Thr (NM_000445.5); c.11315T>C, p.Met3772Thr (NM_201378.4); c.11291T>C, p.Met3764Thr (NM_201379.3); c.11768T>C, p.Met3923Thr (NM_201380.4); c.11261T>C, p.Met3754Thr (NM_201381.3); c.11357T>C, p.Met3786Thr (NM_201382.4); c.11369T>C, p.Met3790Thr (NM_201383.3); c.11438T>C (NM_000445.3); short protein forms M3754T, M3764T, M3772T, M3786T, M3790T, M3813T, M3923T.
Identifiers: ClinVar variation 196827 (VCV000196827.6), dbSNP rs797044718, ClinGen allele CA244343.